The following is an entry in ClinVar:

ClinVar aggregate classification (germline): Uncertain significance (1 of 4 stars; one submission).

Conditions:
Cardiovascular phenotype. Identifiers: MedGen CN230736.

Submission:

Ambry Genetics
Classification: Uncertain significance for Cardiovascular phenotype. Last evaluated: 2022-05-02. Review status: criteria provided, single submitter. Criteria: Ambry Variant Classification Scheme 2023. Collection method: clinical testing. Allele origin: germline.
Comment: The p.P2301S variant (also known as c.6901C>T), located in coding exon 41 of the FLNC gene, results from a C to T substitution at nucleotide position 6901. The proline at codon 2301 is replaced by serine, an amino acid with similar properties. This amino acid position is conserved. In addition, this alteration is predicted to be deleterious by in silico analysis. Since supporting evidence is limited at this time, the clinical significance of this alteration remains unclear.

NM_001458.5(FLNC):c.6901C>T (p.Pro2301Ser)

Genes: FLNC (filamin C; plus strand), FLNC-AS1 (FLNC antisense RNA 1; minus strand). Cytogenetic location: 7q32.1.
Variant type: single nucleotide variant.
Coding change: c.6901C>T on transcript NM_001458.5 (MANE Select); coding-DNA position 6901, C replaced by T.
Protein change: p.Pro2301Ser; replaces proline 2301 with serine.
Molecular consequence: missense variant.
Genome position (GRCh38, 1-based): chr7:128,854,586, C>T. VCF-style: chr7-128854586-C-T. GRCh37 (hg19) VCF-style: chr7-128494640-C-T.
Other names: c.6802C>T, p.Pro2268Ser (NM_001127487.2); short protein forms P2268S, P2301S.
Identifiers: ClinVar variation 1756078 (VCV001756078.2), dbSNP rs2536665268, ClinGen allele CA369214121.